The following is an entry in ClinVar:

NM_014633.5(CTR9):c.1280T>C (p.Ile427Thr)

Genes: CTR9 (CTR9 component of Paf1/RNA polymerase II complex; plus strand), LOC126861140 (CDK7 strongly-dependent group 2 enhancer GRCh37_chr11:10785333-10786532; plus strand). Cytogenetic location: 11p15.4.
Variant type: single nucleotide variant.
Coding change: c.1280T>C on transcript NM_014633.5 (MANE Select); coding-DNA position 1280, T replaced by C.
Protein change: p.Ile427Thr; replaces isoleucine 427 with threonine.
Molecular consequence: missense variant.
Genome position (GRCh38, 1-based): chr11:10,764,197, T>C. VCF-style: chr11-10764197-T-C. GRCh37 (hg19) VCF-style: chr11-10785744-T-C.
Other names: c.1280T>C, p.Ile427Thr (NM_001346279.2); c.1280T>C (NM_014633.4); short protein forms I427T.
Identifiers: ClinVar variation 2181811 (VCV002181811.5), dbSNP rs755830130, ClinGen allele CA5885048.

ClinVar aggregate classification (germline): Uncertain significance. Review status: criteria provided, single submitter (1 of 4 stars). 2 submissions from 2 submitters: Uncertain significance (1). 1 of the submissions does not count toward it. Last evaluated 2025-01-11.

Conditions:
CTR9-related disorder. Also called: CTR9-related condition.

Allele frequency attached by ClinVar (database versions not stated): gnomAD 0.00001; gnomAD exomes 0.00001; ExAC 0.00002; TOPMed 0.00002.
gnomAD v4.1: 18 of 1,613,812 alleles (0.0011%); highest among the groups gnomAD compares: Admixed American, 0.0033%; no homozygotes.

Submissions (2):

Labcorp Genetics (formerly Invitae), Labcorp
Classification: Uncertain significance. Last evaluated: 2025-01-11. Review status: criteria provided, single submitter. Criteria: Invitae Variant Classification Sherloc (09022015). Collection method: clinical testing. Allele origin: germline.
Comment: This sequence change replaces isoleucine, which is neutral and non-polar, with threonine, which is neutral and polar, at codon 427 of the CTR9 protein (p.Ile427Thr). This variant is present in population databases (rs755830130, gnomAD 0.006%). This variant has not been reported in the literature in individuals affected with CTR9-related conditions. ClinVar contains an entry for this variant (Variation ID: 2181811). An algorithm developed to predict the effect of missense changes on protein structure and function (PolyPhen-2) suggests that this variant is likely to be tolerated. In summary, the available evidence is currently insufficient to determine the role of this variant in disease. Therefore, it has been classified as a Variant of Uncertain Significance.

PreventionGenetics, part of Exact Sciences
Classification: Uncertain significance for CTR9-related condition. Last evaluated: 2024-09-18. Review status: no assertion criteria provided. Collection method: clinical testing. Allele origin: germline. Not counted in ClinVar's aggregate classification.
Comment: The CTR9 c.1280T>C variant is predicted to result in the amino acid substitution p.Ile427Thr. To our knowledge, this variant has not been reported in the literature. This variant is reported in 0.0058% of alleles in individuals of Latino descent in gnomAD and is interpreted as uncertain in ClinVar. At this time, the clinical significance of this variant is uncertain due to the absence of conclusive functional and genetic evidence.